The following is an entry in ClinVar:

NM_001200.4(BMP2):c.647G>A (p.Trp216Ter)

Gene: BMP2 (bone morphogenetic protein 2; plus strand). Cytogenetic location: 20p12.3.
Variant type: single nucleotide variant.
Coding change: c.647G>A on transcript NM_001200.4 (MANE Select); coding-DNA position 647, G replaced by A.
Protein change: p.Trp216Ter; replaces tryptophan 216 with a stop codon.
Molecular consequence: nonsense.
Genome position (GRCh38, 1-based): chr20:6,778,545, G>A. VCF-style: chr20-6778545-G-A. GRCh37 (hg19) VCF-style: chr20-6759192-G-A.
Other names: short protein forms W216*.
Identifiers: ClinVar variation 4855167 (VCV004855167.1).
Genomic context (GRCh38, chr20:6,778,545, plus strand): 5'-TGGTGAATCAGAATGCAAGCAGGTGGGAAAGTTTTGATGTCACCCCCGCTGTGATGCGGT[G>A]GACTGCACAGGGACACGCCAACCATGGATTCGTGGTGGAAGTGGCCCACTTGGAGGAGAA-3'

ClinVar aggregate classification (germline): Likely pathogenic (1 of 4 stars; one submission).

Conditions:
Short stature, facial dysmorphism, and skeletal anomalies with or without cardiac anomalies 1. Identifiers: MedGen C5542952, MONDO:0100297, OMIM 617877.

Submission:

3billion
Classification: Likely pathogenic for Short stature, facial dysmorphism, and skeletal anomalies with or without cardiac anomalies 1. Last evaluated: 2025-07-08. Review status: criteria provided, single submitter. Criteria: ACMG Guidelines, 2015. Collection method: clinical testing. Allele origin: germline. Affected: yes.
Comment: The variant is not observed in the gnomAD v4.1.0 dataset. Predicted Consequence/Location: Stop-gained (nonsense): predicted to result in a loss or disruption of normal protein function through protein truncation. The predicted truncated protein may be shortened by more than 10%. Therefore, this variant is classified as Likely pathogenic according to the recommendation of ACMG/AMP guideline.